The following is an entry in ClinVar:

NM_021814.5(ELOVL5):c.310G>C (p.Glu104Gln)

Gene: ELOVL5 (ELOVL fatty acid elongase 5; minus strand). Cytogenetic location: 6p12.1.
Variant type: single nucleotide variant.
Coding change: c.310G>C on transcript NM_021814.5 (MANE Select); coding-DNA position 310, G replaced by C.
Protein change: p.Glu104Gln; replaces glutamic acid 104 with glutamine.
Molecular consequence: missense variant.
Genome position (GRCh38, 1-based): chr6:53,276,193, C>G on the plus strand (G>C on the coding strand, the complement: ELOVL5 is on the minus strand). VCF-style: chr6-53276193-C-G. GRCh37 (hg19) VCF-style: chr6-53140991-C-G.
Other names: c.391G>C, p.Glu131Gln (NM_001242828.2); c.310G>C, p.Glu104Gln (NM_001242830.2, NM_001301856.2); short protein forms E104Q, E131Q.
Identifiers: ClinVar variation 2802536 (VCV002802536.3), dbSNP rs185810477, ClinGen allele CA364479124.
Genomic context (GRCh38, chr6:53,276,193, plus strand): 5'-AAACTCAACACTTATAATAATAAAGTTTCTGAAAAAGAGACAGTACCTTCATATCTGATT[C>G]TCCTGCGGTGCGTGTGCCCTGACAGAAGAAGTTGTATTTGCCTTCCCATACTCCTGTTAC-3'
Protein context (NP_068586.1, residues 94-114): FFCQGTRTAG[Glu104Gln]SDMKIIRVLW

ClinVar aggregate classification (germline): Uncertain significance (1 of 4 stars; one submission).

Submission:

Labcorp Genetics (formerly Invitae), Labcorp
Classification: Uncertain significance. Last evaluated: 2023-06-09. Review status: criteria provided, single submitter. Criteria: Invitae Variant Classification Sherloc (09022015). Collection method: clinical testing. Allele origin: germline.
Comment: This sequence change replaces glutamic acid, which is acidic and polar, with glutamine, which is neutral and polar, at codon 104 of the ELOVL5 protein (p.Glu104Gln). This variant is not present in population databases (gnomAD no frequency). This variant has not been reported in the literature in individuals affected with ELOVL5-related conditions. Advanced modeling of protein sequence and biophysical properties (such as structural, functional, and spatial information, amino acid conservation, physicochemical variation, residue mobility, and thermodynamic stability) performed at Invitae indicates that this missense variant is not expected to disrupt ELOVL5 protein function. In summary, the available evidence is currently insufficient to determine the role of this variant in disease. Therefore, it has been classified as a Variant of Uncertain Significance.